The following is an entry in ClinVar:

ClinVar aggregate classification (germline): Benign. Review status: criteria provided, multiple submitters, no conflicts (2 of 4 stars). 3 submissions from 2 submitters: Benign (3). Last evaluated 2018-01-12.

Conditions:
Orofacial cleft 6, susceptibility to (OFC6). Also called: CLEFT LIP WITH OR WITHOUT CLEFT PALATE, NONSYNDROMIC, 6. Identifiers: MedGen C1837213, MONDO:0012141, OMIM 608864.
Van der Woude syndrome 1. Also called: CLEFT LIP AND/OR PALATE WITH MUCOUS CYSTS OF LOWER LIP; van der Woude Syndrome (VWS). Identifiers: MedGen C4551864, MONDO:0007333, OMIM 119300.

Allele frequency attached by ClinVar (database versions not stated): gnomAD exomes 0.12500; gnomAD 0.22621 and 0.23089; TOPMed 0.24508; 1000 Genomes Project 30x 0.30059; 1000 Genomes Project 0.30371.
gnomAD v4.1: 34,854 of 151,208 alleles (23%); highest among the groups gnomAD compares: East Asian, 47%; 4,604 homozygotes.

Submissions (3):

Illumina Laboratory Services, Illumina
Classification: Benign for Orofacial cleft 6, susceptibility to. Last evaluated: 2018-01-12. Review status: criteria provided, single submitter. Criteria: ICSL Variant Classification Criteria 13 December 2019. Collection method: clinical testing. Allele origin: germline.
Comment: This variant was observed in the ICSL laboratory as part of a predisposition screen in an ostensibly healthy population. It had not been previously curated by ICSL or reported in the Human Gene Mutation Database (HGMD: prior to June 1st, 2018), and was therefore a candidate for classification through an automated scoring system. Utilizing variant allele frequency, disease prevalence and penetrance estimates, and inheritance mode, an automated score was calculated to assess if this variant is too frequent to cause the disease. Based on the score and internal cut-off values, a variant classified as benign is not then subjected to further curation. The score for this variant resulted in a classification of benign for this disease.

Illumina Laboratory Services, Illumina
Classification: Benign for Van der Woude syndrome 1. Last evaluated: 2018-01-12. Review status: criteria provided, single submitter. Criteria: ICSL Variant Classification Criteria 13 December 2019. Collection method: clinical testing. Allele origin: germline.
Comment: the same text as in the submission from Illumina Laboratory Services, Illumina above.

Breakthrough Genomics
Classification: Benign. Review status: criteria provided, single submitter. Criteria: ACMG Guidelines, 2015. Collection method: not provided. Allele origin: germline. Inheritance: Autosomal dominant inheritance. Affected: yes.

NM_006147.4(IRF6):c.*742A>T

Gene: IRF6 (interferon regulatory factor 6; minus strand). Cytogenetic location: 1q32.2.
Variant type: single nucleotide variant.
Coding change: c.*742A>T on transcript NM_006147.4 (MANE Select); 742 bases downstream of the stop codon, A replaced by T.
Molecular consequence: 3 prime UTR variant.
Genome position (GRCh38, 1-based): chr1:209,787,678, T>A on the plus strand (A>T on the coding strand, the complement: IRF6 is on the minus strand). VCF-style: chr1-209787678-T-A. GRCh37 (hg19) VCF-style: chr1-209961023-T-A.
Other names: c.*742A>T (NM_001206696.2).
Identifiers: ClinVar variation 295193 (VCV000295193.6), dbSNP rs742215, ClinGen allele CA10609681.